The following is an entry in ClinVar:

ClinVar aggregate classification (germline): Uncertain significance. Review status: criteria provided, multiple submitters, no conflicts (2 of 4 stars). 2 submissions from 2 submitters: Uncertain significance (2). Last evaluated 2025-09-03.

Conditions:
PLD1-related disorder. Also called: PLD1-related condition.

Allele frequency attached by ClinVar (database versions not stated): ExAC 0.00002; gnomAD 0.00002; TOPMed 0.00002; gnomAD exomes 0.00004.
gnomAD v4.1: 54 of 1,613,992 alleles (0.0033%); highest among the groups gnomAD compares: East Asian, 0.0045%; no homozygotes.

Submissions (2):

PreventionGenetics, part of Exact Sciences
Classification: Uncertain significance for PLD1-related condition. Last evaluated: 2025-09-03. Review status: criteria provided, single submitter. Criteria: ACMG Guidelines, 2015. Collection method: clinical testing. Allele origin: germline.
Comment: The PLD1 c.2024G>A variant is predicted to result in the amino acid substitution p.Arg675Gln. This variant was reported in an individual with neonatal cardiomyopathy and was shown to negatively impact protein function (Lahrouchi et al. 2021. PubMed ID: 33645542). This variant is reported in 0.010% of alleles in individuals of East Asian descent in gnomAD. At this time, the clinical significance of this variant is uncertain due to the absence of conclusive functional and genetic evidence.

Labcorp Genetics (formerly Invitae), Labcorp
Classification: Uncertain significance. Last evaluated: 2022-01-26. Review status: criteria provided, single submitter. Criteria: Invitae Variant Classification Sherloc (09022015). Collection method: clinical testing. Allele origin: germline.
Comment: This sequence change replaces arginine, which is basic and polar, with glutamine, which is neutral and polar, at codon 675 of the PLD1 protein (p.Arg675Gln). This variant is present in population databases (rs770267182, gnomAD 0.01%). This missense change has been observed in individual(s) with neonatal cardiomyopathy (PMID: 33645542). Algorithms developed to predict the effect of missense changes on protein structure and function are either unavailable or do not agree on the potential impact of this missense change (SIFT: "Deleterious"; PolyPhen-2: "Probably Damaging"; Align-GVGD: "Class C0"). Experimental studies have shown that this missense change affects PLD1 function (PMID: 33645542). Algorithms developed to predict the effect of sequence changes on RNA splicing suggest that this variant may create or strengthen a splice site. In summary, the available evidence is currently insufficient to determine the role of this variant in disease. Therefore, it has been classified as a Variant of Uncertain Significance.

Literature cited by the submitters: PubMed 33645542 (cited by Labcorp Genetics (formerly Invitae), Labcorp).

NM_002662.5(PLD1):c.2024G>A (p.Arg675Gln)

Gene: PLD1 (phospholipase D1; minus strand). Cytogenetic location: 3q26.31.
Variant type: single nucleotide variant.
Coding change: c.2024G>A on transcript NM_002662.5 (MANE Select); coding-DNA position 2024, G replaced by A.
Protein change: p.Arg675Gln; replaces arginine 675 with glutamine.
Molecular consequence: missense variant.
Genome position (GRCh38, 1-based): chr3:171,676,806, C>T on the plus strand (G>A on the coding strand, the complement: PLD1 is on the minus strand). VCF-style: chr3-171676806-C-T. GRCh37 (hg19) VCF-style: chr3-171394596-C-T.
Other names: c.2024G>A (NM_002662.4); c.1910G>A, p.Arg637Gln (NM_001130081.3); short protein forms R637Q, R675Q.
Identifiers: ClinVar variation 2155348 (VCV002155348.5), dbSNP rs770267182, ClinGen allele CA2704412.